The following is an entry in ClinVar:

NM_004813.4(PEX16):c.1006G>C (p.Gly336Arg)

Gene: PEX16 (peroxisomal biogenesis factor 16; minus strand). Cytogenetic location: 11p11.2.
Variant type: single nucleotide variant.
Coding change: c.1006G>C on transcript NM_004813.4 (MANE Select); coding-DNA position 1006, G replaced by C.
Protein change: p.Gly336Arg; replaces glycine 336 with arginine.
Molecular consequence: missense variant. On other transcripts: intron variant (1).
Genome position (GRCh38, 1-based): chr11:45,910,259, C>G on the plus strand (G>C on the coding strand, the complement: PEX16 is on the minus strand). VCF-style: chr11-45910259-C-G. GRCh37 (hg19) VCF-style: chr11-45931810-C-G.
Other names: c.953-82G>C (NM_057174.3); short protein forms G336R.
Identifiers: ClinVar variation 953107 (VCV000953107.6), dbSNP rs767383372, ClinGen allele CA5959716.

ClinVar aggregate classification (germline): Uncertain significance (1 of 4 stars; one submission).

Conditions:
Peroxisome biogenesis disorder. Identifiers: Orphanet 79189, MedGen C1832200, MONDO:0019234. Disease mechanism: loss of function.

Allele frequency attached by ClinVar (database versions not stated): TOPMed 0.00001; gnomAD exomes 0.00002 and 0.00005; ExAC 0.00005.
gnomAD v4.1: 14 of 1,613,870 alleles (0.00087%); highest among the groups gnomAD compares: Admixed American, 0.023%; no homozygotes.

Submission:

Labcorp Genetics (formerly Invitae), Labcorp
Classification: Uncertain significance for Peroxisome biogenesis disorder. Last evaluated: 2025-01-13. Review status: criteria provided, single submitter. Criteria: Invitae Variant Classification Sherloc (09022015). Collection method: clinical testing. Allele origin: germline.
Comment: This sequence change replaces glycine, which is neutral and non-polar, with arginine, which is basic and polar, at codon 336 of the PEX16 protein (p.Gly336Arg). This variant is present in population databases (rs767383372, gnomAD 0.04%). This variant has not been reported in the literature in individuals affected with PEX16-related conditions. ClinVar contains an entry for this variant (Variation ID: 953107). An algorithm developed to predict the effect of missense changes on protein structure and function (PolyPhen-2) suggests that this variant is likely to be disruptive. In summary, the available evidence is currently insufficient to determine the role of this variant in disease. Therefore, it has been classified as a Variant of Uncertain Significance.